The following is an entry in ClinVar:

NM_000719.7(CACNA1C):c.1185dup (p.Val396fs)

Gene: CACNA1C (calcium voltage-gated channel subunit alpha1 C; plus strand). Cytogenetic location: 12p13.33.
Variant type: Duplication.
Coding change: c.1185dup on transcript NM_000719.7 (MANE Select); coding-DNA position 1185, one base duplicated (T; older notation c.1185dupT).
Protein change: p.Val396fs; shifts the reading frame from valine 396.
Molecular consequence: frameshift variant. On other transcripts: intron variant (4).
Genome position (GRCh38, 1-based): chr12:2,504,913, T duplicated; the last of 6 consecutive T bases (chr12:2,504,908-2,504,913); duplicating any one gives the same sequence. VCF-style (leftmost placement, unchanged base first): chr12-2504907-A-AT. GRCh37 (hg19) VCF-style: chr12-2614073-A-AT.
Other names: c.1185dup, p.Val396fs (NM_001129827.2, NM_001129829.2, NM_001129830.3 and 14 more transcripts); c.1176dup, p.Val393fs (NM_001129844.2); c.1217+374dup (NM_001167624.3, NM_001167623.2, NM_001167625.2 and 1 more transcripts); short protein forms V396fs, V393fs.
Identifiers: ClinVar variation 2831087 (VCV002831087.4), dbSNP rs2505890057, ClinGen allele CA2617063063.

ClinVar aggregate classification (germline): Conflicting classifications of pathogenicity. Review status: criteria provided, conflicting classifications (1 of 4 stars). 2 submissions from 2 submitters: Likely pathogenic (1); Uncertain significance (1). Last evaluated 2024-01-22.

Conditions:
CACNA1C-related disorder. Also called: CACNA1C-related condition; CACNA1C-related disorders. Identifiers: MedGen CN381092, MONDO:0700321.
Long QT syndrome (LQTS). Identifiers: MedGen C0023976, MeSH D008133, MONDO:0002442. Disease mechanism: loss of function. Inheritance: Various modes of inheritance.

Submissions (2):

Labcorp Genetics (formerly Invitae), Labcorp
Classification: Uncertain significance for Long QT syndrome. Last evaluated: 2024-01-22. Review status: criteria provided, single submitter. Criteria: Invitae Variant Classification Sherloc (09022015). Collection method: clinical testing. Allele origin: germline.
Comment: This sequence change creates a premature translational stop signal (p.Val396Cysfs*3) in the CACNA1C gene. It is expected to result in an absent or disrupted protein product. However, the current clinical and genetic evidence is not sufficient to establish whether loss-of-function variants in CACNA1C cause disease. This variant is not present in population databases (gnomAD no frequency). This variant has not been reported in the literature in individuals affected with CACNA1C-related conditions. Algorithms developed to predict the effect of sequence changes on RNA splicing suggest that this variant may disrupt the consensus splice site. In summary, the available evidence is currently insufficient to determine the role of this variant in disease. Therefore, it has been classified as a Variant of Uncertain Significance.

Blueprint Genetics
Classification: Likely pathogenic for CACNA1C-related disorders. Last evaluated: 2022-04-18. Review status: criteria provided, single submitter. Criteria: ACMG Guidelines, 2015. Collection method: clinical testing. Allele origin: germline. Affected: yes. Observed: 1 variant allele.